The following is an entry in ClinVar:

NM_005343.4(HRAS):c.37G>C (p.Gly13Arg)

Genes: HRAS (HRas proto-oncogene, GTPase; minus strand), LRRC56 (leucine rich repeat containing 56; plus strand). Cytogenetic location: 11p15.5.
Variant type: single nucleotide variant.
Coding change: c.37G>C on transcript NM_005343.4 (MANE Select); coding-DNA position 37, G replaced by C.
Protein change: p.Gly13Arg; replaces glycine 13 with arginine.
Molecular consequence: missense variant. On other transcripts: 5 prime UTR variant (1).
Genome position (GRCh38, 1-based): chr11:534,286, C>G on the plus strand (G>C on the coding strand, the complement: HRAS is on the minus strand). VCF-style: chr11-534286-C-G. GRCh37 (hg19) VCF-style: chr11-534286-C-G.
Other names: c.37G>C, p.Gly13Arg (NM_001130442.3, NM_176795.5); c.-283G>C (NM_001318054.2); short protein forms G13R.
Identifiers: ClinVar variation 35554 (VCV000035554.18), dbSNP rs104894228, ClinGen allele CA129950.

ClinVar aggregate classification (germline): Pathogenic/Likely pathogenic. Review status: criteria provided, multiple submitters, no conflicts (2 of 4 stars). 16 submissions from 11 submitters: Pathogenic (6); Likely pathogenic (1). 9 of the submissions do not count toward it. Last evaluated 2024-11-14.
ClinVar aggregate classification (somatic clinical impact): Tier I - Strong. Review status: criteria provided, single submitter (1 of 4 stars). 4 submissions from 1 submitter. 2 of the submissions do not count toward it. Last evaluated 2025-05-30.

Conditions:
HRAS-related disorders.
HRAS-related disorder. Also called: HRAS-related condition.
cutaneous-skeletal hypophosphatemia syndrome.
Noonan syndrome and Noonan-related syndrome. Identifiers: Orphanet 98733, MedGen C5681679, MONDO:0020297.
NEVUS SPILUS, SOMATIC.
SPITZ NEVUS, SOMATIC.
Lip and oral cavity carcinoma. Identifiers: MedGen C0220641, MONDO:0023644.
Nevus sebaceous. Also called: NEVUS SEBACEOUS, SOMATIC. Identifiers: MedGen C3854181, HP:0010815.
Linear nevus sebaceous syndrome. Also called: Nevus, Sebaceous of Jadassohn; Linear nevus sebaceous; Sebaceous nevus syndrome and hemimegalencephaly; SCHIMMELPENNING-FEUERSTEIN-MIMS SYNDROME, SOMATIC MOSAIC; JADASSOHN NEVUS PHAKOMATOSIS; NEVUS SEBACEUS OF JADASSOHN. Identifiers: Orphanet 2612, MedGen C4552097, MONDO:0008097, OMIM 163200, HP:0010817.
Non-immune hydrops fetalis (NIHF). Also called: Fetal edema; Idiopathic hydrops fetalis; Familial non-immune hydrops fetalis. Identifiers: Orphanet 363999, MedGen C0455988, MONDO:0009369, OMIM 236750, HP:0001790.
Epidermal nevus. Also called: Nevus, epidermal, somatic; NEVUS, KERATINOCYTIC, NONEPIDERMOLYTIC. Identifiers: Orphanet 79414, MedGen C0334082, MONDO:0008093, OMIM 162900, HP:0010816.
Costello syndrome (CSTLO). Also called: FACIOCUTANEOSKELETAL SYNDROME; FCS SYNDROME; HRAS-Related Costello Syndrome. Identifiers: Orphanet 3071, MedGen C0587248, MONDO:0009026, OMIM 218040.
Breast phyllodes tumor. Identifiers: MedGen C0238031, MONDO:0021047.
Ectomesenchymoma. Identifiers: MedGen C0431111, MONDO:0002855.
Embryonal rhabdomyosarcoma (ERMS). Also called: Botryoid rhabdomyosarcoma (type of ERMS); Spindle cell rhabdomyosarcomas (type of ERMS). Identifiers: Orphanet 99757, MedGen C0206656, MONDO:0009993, HP:0006743.
Alveolar rhabdomyosarcoma (RMS2). Also called: Alveolar rhabdomyosarcoma (disease); RHABDOMYOSARCOMA 2. Identifiers: Orphanet 780, Orphanet 99756, MedGen C0206655, MONDO:0009994, OMIM 268220, HP:0006779.

Submissions 1 to 7 of 20:

Institute for Genomic Medicine (IGM) Clinical Laboratory, Nationwide Children's Hospital
Classification: Tier I - Strong for Embryonal rhabdomyosarcoma. Assertion type: diagnostic. Clinical significance: supports diagnosis. Last evaluated: 2025-05-30. Review status: criteria provided, single submitter. Criteria: AMP/ASCO/CAP Guidelines, 2017. Collection method: clinical testing. Allele origin: somatic. Affected: yes.
Comment: Variant has Tier I (strong) clinical significance as a diagnostic inclusion criterion in embryonal rhabdomyosarcoma, based on the following evidence: 1) Documented in one or more cancer databases (e.g., St. Jude Pecan, COSMIC, CIViC, OncoKB). 2) Appears in one or more well-established professional guidelines (e.g., World Health Organization [WHO]; National Comprehensive Cancer Network [NCCN]) as providing diagnostic, prognostic, or therapeutic information. 3) Information in the literature supports potential biologic effect of variant (PMID: 22683711). 4) Diagnostic for a specific tumor type/classification based on well-powered studies with expert-level consensus (Evidence Level B; PMIDs: 24436047, 34166060, 19681119, 24332040, 25768946).

Institute for Genomic Medicine (IGM) Clinical Laboratory, Nationwide Children's Hospital
Classification: Tier II - Potential for Breast phyllodes tumor. Assertion type: diagnostic. Clinical significance: supports diagnosis. Last evaluated: 2025-05-26. Review status: criteria provided, single submitter. Criteria: AMP/ASCO/CAP Guidelines, 2017. Collection method: clinical testing. Allele origin: somatic. Affected: yes. Not counted in ClinVar's aggregate classification.
Comment: Variant has Tier II (potential) clinical significance as a diagnostic inclusion criterion in breast phyllodes tumor, based on the following evidence: 1) Documented in one or more cancer databases (e.g., St. Jude Pecan, COSMIC, CIViC, OncoKB). 2) Information in the literature supports potential biologic effect of variant. 3) Diagnostic significance based on multiple small studies (Evidence Level C).

Clinical Genomics Laboratory, Washington University in St. Louis
Classification: Pathogenic for Epidermal nevus. Last evaluated: 2024-11-14. Review status: criteria provided, single submitter. Criteria: Leon-Quintero et al. (Clin Genet. 2025). Collection method: clinical testing. Allele origin: somatic. Affected: yes.
Comment: An HRAS c.37G>C (p.Gly13Arg) variant was identified at an allelic fraction consistent with somatic origin. This variant has been reported in multiple individuals with epidermal nevus (Groesser L et al., PMID: 22683711; Hafner C et al., PMID: 22499344; Kitamura S et al., PMID: 28247919; Zuntini R et al., PMID: 37636262). This variant has been reported in the ClinVar database as a pathogenic/likely pathogenic variant by multiple submitters, including our laboratory (ClinVar ID: 35554) and in multiple cancer cases in the cancer database COSMIC (Cosmic ID: COSV54236651). This variant is absent from the general population (gnomAD v.4.1.0), indicating it is not a common variant. The HRAS c.37G>C (p.Gly13Arg) variant resides within a GTP binding domain of HRAS that is defined as a critical functional domain (Wey M et al., PMID: 24224811). Computational predictors indicate that the variant is damaging, evidence that correlates with impact on HRAS function and in support of this prediction, functional studies show that this variant results in activation of the Ras-Raf-MAPK and PI3K-Akt signaling pathways with increased cellular proliferation (Groesser L et al., PMID: 22683711). The HRAS gene is defined by ClinGen's RASopathy expert panel as a gene with a low rate of benign missense variation and where pathogenic missense variants are a common disease mechanism (Gelb BD et al., PMID: 29493581). Based on available information and an internally developed protocol informed by the ACMG/AMP guidelines for variant interpretation and gene-specific practices from the ClinGen Criteria Specification Registry (Leon-Quintero FZ et al., PMID: 39434542), the HRAS c.37G>C (p.Gly13Arg) variant is classified as pathogenic.

Institute for Genomic Medicine (IGM) Clinical Laboratory, Nationwide Children's Hospital
Classification: Tier I - Strong for Ectomesenchymoma. Assertion type: diagnostic. Clinical significance: supports diagnosis. Last evaluated: 2024-10-30. Review status: criteria provided, single submitter. Criteria: AMP/ASCO/CAP Guidelines, 2017. Collection method: clinical testing. Allele origin: somatic. Affected: yes.
Comment: Variant has Tier I (strong) clinical significance as a diagnostic inclusion criterion in ectomesenchymoma, based on the following evidence: 1) Documented in one or more cancer databases (e.g., St. Jude Pecan, COSMIC, CIViC, OncoKB). 2) Appears in one or more well-established professional guidelines (e.g., World Health Organization [WHO]; National Comprehensive Cancer Network [NCCN]) as providing diagnostic, prognostic, or therapeutic information. 3) Information in the literature supports potential biologic effect of variant (PMID: 22683711). 4) Diagnostic for a specific tumor type/classification based on well-powered studies with expert-level consensus (Evidence Level B; PMIDs: 26872011, 38496756).

Institute for Genomic Medicine (IGM) Clinical Laboratory, Nationwide Children's Hospital
Classification: Tier II - Potential for Alveolar rhabdomyosarcoma. Assertion type: diagnostic. Clinical significance: supports diagnosis. Last evaluated: 2024-07-15. Review status: criteria provided, single submitter. Criteria: AMP/ASCO/CAP Guidelines, 2017. Collection method: clinical testing. Allele origin: somatic. Affected: yes. Not counted in ClinVar's aggregate classification.
Comment: Variant has Tier II (potential) clinical significance as a diagnostic inclusion criterion in alveolar rhabdomyosarcoma, based on the following evidence: 1) Documented in one or more cancer databases (e.g., St. Jude Pecan, COSMIC, CIViC, OncoKB). 2) Information in the literature supports potential biologic effect of variant. 3) Diagnostic significance based on multiple small studies (Evidence Level C).

Women's Health and Genetics/Laboratory Corporation of America, LabCorp
Classification: Pathogenic for Costello syndrome. Last evaluated: 2023-08-14. Review status: criteria provided, single submitter. Criteria: LabCorp Variant Classification Summary - May 2015. Collection method: clinical testing. Allele origin: germline.
Comment: Variant summary: HRAS c.37G>C (p.Gly13Arg) results in a non-conservative amino acid change located in the Small GTP-binding protein domain (IPR005225) of the encoded protein sequence. Five of five in-silico tools predict a damaging effect of the variant on protein function. The variant was absent in 250330 control chromosomes (gnomAD). c.37G>C has been reported in numerous publications as a somatic mutation found in various types of cancers and at least one de novo case who may have Costello Syndrome (Sparks_2020). These data indicate that the variant is likely to be associated with disease. At least three publications report experimental evidence evaluating an impact on protein function and functional analysis of HRAS c.37G>C confirmed constitutive activation of the MAPK and PI3KK-Akt signaling pathways (Spoerner_2010, Groesser_2012, Lopes-Ventura_2018). In addition, Glycine 13 is one of the two most mutated amino acids in Costello Syndrome, and several other variants located at codon 13 have been associated with Costello Syndrome (G13D, G13V, G13C; PMID: 24224811) in HGMD and classified as DV in our lab. The following publications have been ascertained in the context of this evaluation (PMID: 20937837, 22683711, 30191474, 33027564). Four submitters have cited clinical-significance assessments for this variant to ClinVar after 2014. All submitters classified the variant as pathogenic (n=3) and likely pathogenic (n=1). Based on the evidence outlined above, the variant was classified as pathogenic.

Genesolutions, Medical Genetics Institutes, Ho Chi Minh City, Vietnam
Classification: Pathogenic for Costello syndrome. Last evaluated: 2022-06-22. Review status: criteria provided, single submitter. Criteria: ACMG Guidelines, 2015. Collection method: clinical testing. Allele origin: de novo. Affected: yes. Observed: 1 variant allele.